The following is an entry in ClinVar:

ClinVar aggregate classification (germline): Conflicting classifications of pathogenicity. Review status: criteria provided, conflicting classifications (1 of 4 stars). 4 submissions from 4 submitters: Uncertain significance (1); Likely benign (3). Last evaluated 2026-01-25.

Conditions:
Marfan syndrome (MFS). Also called: Marfan syndrome type 1; Marfan's syndrome; FBN1-Related Marfan Syndrome; MARFAN SYNDROME, TYPE I; Marfan syndrome, classic. Identifiers: Orphanet 284963, Orphanet 558, MedGen C0024796, MONDO:0007947, OMIM 154700.
Familial thoracic aortic aneurysm and aortic dissection (TAAD). Also called: Thoracic aortic aneurysms and dissections. Identifiers: Orphanet 91387, MedGen C4707243, MONDO:0019625.

Allele frequency attached by ClinVar (database versions not stated): gnomAD exomes below 0.00001; ExAC 0.00001; TOPMed 0.00001; gnomAD 0.00001.
gnomAD v4.1: 4 of 1,613,206 alleles (0.00025%); highest among the groups gnomAD compares: African/African-American, 0.0053%; no homozygotes.

Submissions (4):

Labcorp Genetics (formerly Invitae), Labcorp
Classification: Likely benign for Marfan syndrome; Familial thoracic aortic aneurysm and aortic dissection. Last evaluated: 2026-01-25. Review status: criteria provided, single submitter. Criteria: Invitae Variant Classification Sherloc (09022015). Collection method: clinical testing. Allele origin: germline.

All of Us Research Program, National Institutes of Health
Classification: Likely benign for Marfan syndrome. Last evaluated: 2023-02-24. Review status: criteria provided, single submitter. Criteria: ACMG Guidelines, 2015. Collection method: clinical testing. Allele origin: germline. Inheritance: Autosomal dominant inheritance. Observed: 1 variant allele, 1 heterozygote.
Comment: This study involves interpretation of variants in research participants for the purpose of population health screening. Participant phenotype was not available at the time of variant classification. Additional details can be found in publication PMID: 35346344, PMCID: PMC8962531

Ambry Genetics
Classification: Uncertain significance for Familial thoracic aortic aneurysm and aortic dissection. Last evaluated: 2022-03-25. Review status: criteria provided, single submitter. Criteria: Ambry Variant Classification Scheme 2023. Collection method: clinical testing. Allele origin: germline.
Comment: The c.1653C>T (p.G551G) alteration is located in exon 14 (coding exon 13) of the FBN1 gene. This alteration consists of a C to T substitution at nucleotide position 1653. This nucleotide substitution does not change the amino acid at codon 551. However, this change occurs in the last nucleotide of Exon 14 (c.1589_1714) which makes it likely to have some effect on normal mRNA splicing. Based on insufficient or conflicting evidence, the clinical significance of this alteration remains unclear.

ARUP Laboratories, Molecular Genetics and Genomics, ARUP Laboratories
Classification: Likely benign. Last evaluated: 2021-10-07. Review status: criteria provided, single submitter. Criteria: ARUP Molecular Germline Variant Investigation Process 2021. Collection method: clinical testing. Allele origin: germline.

NM_000138.5(FBN1):c.1653C>T (p.Gly551=)

Gene: FBN1 (fibrillin 1; minus strand). Cytogenetic location: 15q21.1.
Variant type: single nucleotide variant.
Coding change: c.1653C>T on transcript NM_000138.5 (MANE Select); coding-DNA position 1653, C replaced by T.
Protein change: p.Gly551=; no amino-acid change (glycine 551 retained).
Molecular consequence: synonymous variant.
Genome position (GRCh38, 1-based): chr15:48,510,105, G>A on the plus strand (C>T on the coding strand, the complement: FBN1 is on the minus strand). VCF-style: chr15-48510105-G-A. GRCh37 (hg19) VCF-style: chr15-48802302-G-A.
Other names: c.1653C>T (NM_000138.4).
Identifiers: ClinVar variation 1330600 (VCV001330600.14), dbSNP rs766565738, ClinGen allele CA045511.